The following is an entry in ClinVar:

ClinVar aggregate classification (germline): Uncertain significance. Review status: criteria provided, multiple submitters, no conflicts (2 of 4 stars). 2 submissions from 2 submitters: Uncertain significance (2). Last evaluated 2025-03-02.

Conditions:
Acute myeloid leukemia (AML). Also called: Leukemia, acute myeloid, somatic; Leukemia, acute myelogenous, somatic; Acute myeloid leukemia, adult; AML adult; Acute non-lymphocytic leukemia; Acute granulocytic leukemia. Identifiers: Orphanet 519, MedGen C0023467, MeSH D015470, MONDO:0018874, OMIM 601626, HP:0004808. Disease mechanism: Constitutively activated FLT3.
Inborn genetic diseases. Identifiers: MedGen C0950123, MeSH D030342.

Submissions (2):

Ambry Genetics
Classification: Uncertain significance for Inborn genetic diseases. Last evaluated: 2025-03-02. Review status: criteria provided, single submitter. Criteria: Ambry Variant Classification Scheme 2023. Collection method: clinical testing. Allele origin: germline.
Comment: The p.E57K variant (also known as c.169G>A), located in coding exon 1 of the CEBPA gene, results from a G to A substitution at nucleotide position 169. The glutamic acid at codon 57 is replaced by lysine, an amino acid with similar properties. This amino acid position is conserved. In addition, this alteration is predicted to be tolerated by in silico analysis. Based on the available evidence, the clinical significance of this variant remains unclear.

Labcorp Genetics (formerly Invitae), Labcorp
Classification: Uncertain significance for Acute myeloid leukemia. Last evaluated: 2023-03-17. Review status: criteria provided, single submitter. Criteria: Invitae Variant Classification Sherloc (09022015). Collection method: clinical testing. Allele origin: germline.
Comment: This variant has not been reported in the literature in individuals affected with CEBPA-related conditions. This sequence change replaces glutamic acid, which is acidic and polar, with lysine, which is basic and polar, at codon 57 of the CEBPA protein (p.Glu57Lys). This variant is not present in population databases (gnomAD no frequency). ClinVar contains an entry for this variant (Variation ID: 1722000). Advanced modeling of protein sequence and biophysical properties (such as structural, functional, and spatial information, amino acid conservation, physicochemical variation, residue mobility, and thermodynamic stability) performed at Invitae indicates that this missense variant is expected to disrupt CEBPA protein function. In summary, the available evidence is currently insufficient to determine the role of this variant in disease. Therefore, it has been classified as a Variant of Uncertain Significance.

NM_004364.5(CEBPA):c.169G>A (p.Glu57Lys)

Gene: CEBPA (CCAAT enhancer binding protein alpha; minus strand). Cytogenetic location: 19q13.11.
Variant type: single nucleotide variant.
Coding change: c.169G>A on transcript NM_004364.5 (MANE Select); coding-DNA position 169, G replaced by A.
Protein change: p.Glu57Lys; replaces glutamic acid 57 with lysine.
Molecular consequence: missense variant. On other transcripts: 5 prime UTR variant (1).
Genome position (GRCh38, 1-based): chr19:33,302,246, C>T on the plus strand (G>A on the coding strand, the complement: CEBPA is on the minus strand). VCF-style: chr19-33302246-C-T. GRCh37 (hg19) VCF-style: chr19-33793152-C-T.
Other names: c.-189G>A (NM_001285829.2); c.274G>A, p.Glu92Lys (NM_001287424.2); c.127G>A, p.Glu43Lys (NM_001287435.2); short protein forms E43K, E57K, E92K.
Identifiers: ClinVar variation 1722000 (VCV001722000.7), dbSNP rs2145263987, ClinGen allele CA405275535.